The following is an entry in ClinVar:

NM_000059.4(BRCA2):c.3674C>G (p.Thr1225Arg)

Gene: BRCA2 (BRCA2 DNA repair associated; plus strand). Cytogenetic location: 13q13.1.
Variant type: single nucleotide variant.
Coding change: c.3674C>G on transcript NM_000059.4 (MANE Select); coding-DNA position 3674, C replaced by G.
Protein change: p.Thr1225Arg; replaces threonine 1225 with arginine.
Molecular consequence: missense variant.
Genome position (GRCh38, 1-based): chr13:32,338,029, C>G. VCF-style: chr13-32338029-C-G. GRCh37 (hg19) VCF-style: chr13-32912166-C-G.
Other names: c.3674C>G, p.Thr1225Arg (NM_001406719.1, NM_001406720.1); short protein forms T1225R.
Identifiers: ClinVar variation 2416941 (VCV002416941.10), dbSNP rs1490822985, ClinGen allele CA387777999.

ClinVar aggregate classification (germline): Conflicting classifications of pathogenicity. Review status: criteria provided, conflicting classifications (1 of 4 stars). 2 submissions from 2 submitters: Uncertain significance (1); Likely benign (1). Last evaluated 2023-03-23.

Conditions:
Hereditary cancer-predisposing syndrome. Also called: Tumor predisposition; Hereditary Cancer Syndrome; Neoplastic Syndromes, Hereditary; Hereditary neoplastic syndrome. Identifiers: Orphanet 140162, MedGen C0027672, MeSH D009386, MONDO:0015356.
Hereditary breast ovarian cancer syndrome. Also called: Hereditary breast and ovarian cancer syndrome; Hereditary breast and ovarian cancer syndrome (HBOC); Hereditary breast and ovarian cancer; Breast and ovarian cancer; BRCA1- and BRCA2-Associated Hereditary Breast and Ovarian Cancer; Hereditary breast and/or ovarian cancer syndrome. Identifiers: Orphanet 145, MedGen C0677776, MeSH D061325, MONDO:0003582. Disease mechanism: loss of function.

Submissions (2):

University of Washington Department of Laboratory Medicine, University of Washington
Classification: Likely benign for Hereditary cancer-predisposing syndrome. Last evaluated: 2023-03-23. Review status: criteria provided, single submitter. Criteria: Dines et al. (Genet Med. 2020). Collection method: curation. Allele origin: germline.
Comment: Missense variant in a coldspot region where missense variants are very unlikely to be pathogenic (PMID:31911673).

BRCA2 exon 11 coldspot. Reclassification based on statistical prior probability.

Labcorp Genetics (formerly Invitae), Labcorp
Classification: Uncertain significance for Hereditary breast ovarian cancer syndrome. Last evaluated: 2022-10-13. Review status: criteria provided, single submitter. Criteria: Invitae Variant Classification Sherloc (09022015). Collection method: clinical testing. Allele origin: germline.
Comment: This sequence change replaces threonine, which is neutral and polar, with arginine, which is basic and polar, at codon 1225 of the BRCA2 protein (p.Thr1225Arg). This variant is not present in population databases (gnomAD no frequency). This variant has not been reported in the literature in individuals affected with BRCA2-related conditions. Advanced modeling of protein sequence and biophysical properties (such as structural, functional, and spatial information, amino acid conservation, physicochemical variation, residue mobility, and thermodynamic stability) performed at Invitae indicates that this missense variant is not expected to disrupt BRCA2 protein function. In summary, the available evidence is currently insufficient to determine the role of this variant in disease. Therefore, it has been classified as a Variant of Uncertain Significance.